The following is an entry in ClinVar:

NM_015047.3(EMC1):c.1466C>T (p.Ser489Leu)

Genes: EMC1 (ER membrane protein complex subunit 1; minus strand), EMC1-AS1 (EMC1 antisense RNA 1; plus strand). Cytogenetic location: 1p36.13.
Variant type: single nucleotide variant.
Coding change: c.1466C>T on transcript NM_015047.3 (MANE Select); coding-DNA position 1466, C replaced by T.
Protein change: p.Ser489Leu; replaces serine 489 with leucine.
Molecular consequence: missense variant.
Genome position (GRCh38, 1-based): chr1:19,233,102, G>A on the plus strand (C>T on the coding strand, the complement: EMC1 is on the minus strand). VCF-style: chr1-19233102-G-A. GRCh37 (hg19) VCF-style: chr1-19559596-G-A.
Other names: c.1463C>T, p.Ser488Leu (NM_001271427.2, NM_001271428.2); c.1400C>T, p.Ser467Leu (NM_001271429.2); c.1475C>T, p.Ser492Leu (NM_001375820.1); c.1472C>T, p.Ser491Leu (NM_001375821.1); c.1466C>T (NM_015047.1); short protein forms S488L, S467L, S491L, S492L, S489L.
Identifiers: ClinVar variation 1513656 (VCV001513656.7), dbSNP rs749905447, ClinGen allele CA652565.

ClinVar aggregate classification (germline): Uncertain significance. Review status: criteria provided, multiple submitters, no conflicts (2 of 4 stars). 3 submissions from 3 submitters: Uncertain significance (3). Last evaluated 2025-10-18.

Conditions:
Inborn genetic diseases. Identifiers: MedGen C0950123, MeSH D030342.

Allele frequency attached by ClinVar (database versions not stated): gnomAD 0.00002; gnomAD exomes 0.00002 and 0.00003; ExAC 0.00004.
gnomAD v4.1: 46 of 1,614,030 alleles (0.0029%); highest among the groups gnomAD compares: South Asian, 0.0044%; no homozygotes.

Submissions (3):

Ambry Genetics
Classification: Uncertain significance for Inborn genetic diseases. Last evaluated: 2025-10-18. Review status: criteria provided, single submitter. Criteria: Ambry Variant Classification Scheme 2023. Collection method: clinical testing. Allele origin: germline.

Labcorp Genetics (formerly Invitae), Labcorp
Classification: Uncertain significance. Last evaluated: 2023-10-22. Review status: criteria provided, single submitter. Criteria: Invitae Variant Classification Sherloc (09022015). Collection method: clinical testing. Allele origin: germline.
Comment: This sequence change replaces serine, which is neutral and polar, with leucine, which is neutral and non-polar, at codon 489 of the EMC1 protein (p.Ser489Leu). This variant is present in population databases (rs749905447, gnomAD 0.01%). This variant has not been reported in the literature in individuals affected with EMC1-related conditions. ClinVar contains an entry for this variant (Variation ID: 1513656). Advanced modeling of protein sequence and biophysical properties (such as structural, functional, and spatial information, amino acid conservation, physicochemical variation, residue mobility, and thermodynamic stability) performed at Invitae indicates that this missense variant is not expected to disrupt EMC1 protein function. In summary, the available evidence is currently insufficient to determine the role of this variant in disease. Therefore, it has been classified as a Variant of Uncertain Significance.

Blueprint Genetics
Classification: Uncertain significance. Last evaluated: 2019-01-17. Review status: criteria provided, single submitter. Criteria: ACMG Guidelines, 2015. Collection method: clinical testing. Allele origin: germline.